The following is an entry in ClinVar:

NM_006231.4(POLE):c.4477G>A (p.Ala1493Thr)

Gene: POLE (DNA polymerase epsilon, catalytic subunit; minus strand). Cytogenetic location: 12q24.33.
Variant type: single nucleotide variant.
Coding change: c.4477G>A on transcript NM_006231.4 (MANE Select); coding-DNA position 4477, G replaced by A.
Protein change: p.Ala1493Thr; replaces alanine 1493 with threonine.
Molecular consequence: missense variant.
Genome position (GRCh38, 1-based): chr12:132,643,298, C>T on the plus strand (G>A on the coding strand, the complement: POLE is on the minus strand). VCF-style: chr12-132643298-C-T. GRCh37 (hg19) VCF-style: chr12-133219884-C-T.
Other names: short protein forms A1493T.
Identifiers: ClinVar variation 403334 (VCV000403334.20), dbSNP rs748522633, ClinGen allele CA6892828.
Genomic context (GRCh38, chr12:132,643,298, plus strand): 5'-AGACGGATGCCCTGCGCTGTGAGGGGATGAAGATCCCGAAGAGCGCTTTGTGGGCCTGTG[C>T]GTGGTGGTACAGGTAGATATGGCGGATACTCCCTGGAGAAGGAAACAAGACCGTCACCCC-3'
Protein context (NP_006222.2, residues 1483-1503): SIRHIYLYHH[Ala1493Thr]QAHKALFGIF

ClinVar aggregate classification (germline): Uncertain significance. Review status: criteria provided, multiple submitters, no conflicts (2 of 4 stars). 6 submissions from 6 submitters: Uncertain significance (6). Last evaluated 2025-12-29.

Conditions:
Colorectal cancer, susceptibility to, 12 (CRCS12). Also called: COLORECTAL CANCER, SUSCEPTIBILITY TO, ON CHROMOSOME 12q24. Identifiers: Orphanet 220460, MedGen C3554460, MONDO:0014038, OMIM 615083.
Facial dysmorphism-immunodeficiency-livedo-short stature syndrome. Also called: Facial dysmorphism, immunodeficiency, livedo, and short stature; FILS syndrome. Identifiers: Orphanet 352712, MedGen C3554576, MONDO:0014058, OMIM 615139.
Hereditary cancer-predisposing syndrome. Also called: Neoplastic Syndromes, Hereditary; Hereditary Cancer Syndrome; Tumor predisposition; Hereditary neoplastic syndrome. Identifiers: Orphanet 140162, MedGen C0027672, MeSH D009386, MONDO:0015356.

Allele frequency attached by ClinVar (database versions not stated): gnomAD exomes 0.00002; ExAC 0.00003; gnomAD 0.00004; TOPMed 0.00004.
gnomAD v4.1: 33 of 1,613,848 alleles (0.002%); highest among the groups gnomAD compares: African/African-American, 0.0053%; no homozygotes.

Submissions (6):

Center for Genomic Medicine, Rigshospitalet, Copenhagen University Hospital
Classification: Uncertain significance. Last evaluated: 2025-12-29. Review status: criteria provided, single submitter. Criteria: ACMG Guidelines, 2015. Collection method: clinical testing. Allele origin: germline.

Labcorp Genetics (formerly Invitae), Labcorp
Classification: Uncertain significance. Last evaluated: 2025-12-09. Review status: criteria provided, single submitter. Criteria: Invitae Variant Classification Sherloc (09022015). Collection method: clinical testing. Allele origin: germline.
Comment: This sequence change replaces alanine, which is neutral and non-polar, with threonine, which is neutral and polar, at codon 1493 of the POLE protein (p.Ala1493Thr). This variant is present in population databases (rs748522633, gnomAD 0.005%). This variant has not been reported in the literature in individuals affected with POLE-related conditions. ClinVar contains an entry for this variant (Variation ID: 403334). Invitae Evidence Modeling of protein sequence and biophysical properties (such as structural, functional, and spatial information, amino acid conservation, physicochemical variation, residue mobility, and thermodynamic stability) indicates that this missense variant is not expected to disrupt POLE protein function with a negative predictive value of 80%. In summary, the available evidence is currently insufficient to determine the role of this variant in disease. Therefore, it has been classified as a Variant of Uncertain Significance.

Ambry Genetics
Classification: Uncertain significance for Hereditary cancer-predisposing syndrome. Last evaluated: 2024-01-17. Review status: criteria provided, single submitter. Criteria: Ambry Variant Classification Scheme 2023. Collection method: clinical testing. Allele origin: germline.
Comment: The p.A1493T variant (also known as c.4477G>A), located in coding exon 35 of the POLE gene, results from a G to A substitution at nucleotide position 4477. The alanine at codon 1493 is replaced by threonine, an amino acid with similar properties. This amino acid position is conserved. In addition, this alteration is predicted to be tolerated by in silico analysis. Since supporting evidence is limited at this time, the clinical significance of this alteration remains unclear.

GeneDx
Classification: Uncertain significance. Last evaluated: 2024-01-02. Review status: criteria provided, single submitter. Criteria: GeneDx Variant Classification Process June 2021. Collection method: clinical testing. Allele origin: germline. Affected: yes.
Comment: In silico analysis supports that this missense variant does not alter protein structure/function; Has not been previously published as pathogenic or benign to our knowledge

Fulgent Genetics
Classification: Uncertain significance for Colorectal cancer, susceptibility to, 12; Facial dysmorphism-immunodeficiency-livedo-short stature syndrome. Last evaluated: 2018-10-31. Review status: criteria provided, single submitter. Criteria: ACMG Guidelines, 2015. Collection method: clinical testing. Allele origin: unknown.

Laboratory for Molecular Medicine, Mass General Brigham Personalized Medicine
Classification: Uncertain significance. Last evaluated: 2016-12-02. Review status: criteria provided, single submitter. Criteria: LMM Criteria. Collection method: clinical testing. Allele origin: germline.
Comment: Variant identified in a genome or exome case(s) and assessed due to predicted null impact of the variant or pathogenic assertions in the literature or databases. Disclaimer: This variant has not undergone full assessment. The following are preliminary notes: This variant is present in gnomAD with a MaxMAF of 0.005% (1 allele). It is not present in ClinVar or HGMD and 8 mammals and 1 non-mammal have a Thr at this position.